The following is an entry in ClinVar:

NM_007294.4(BRCA1):c.4635del (p.His1545fs)

Gene: BRCA1 (BRCA1 DNA repair associated; minus strand). Cytogenetic location: 17q21.31.
Variant type: Deletion.
Coding change: c.4635del on transcript NM_007294.4 (MANE Select); coding-DNA position 4635, one base deleted (C; older notation c.4635delC).
Protein change: p.His1545fs; shifts the reading frame from histidine 1545.
Molecular consequence: frameshift variant. On other transcripts: non-coding transcript variant (1).
Genome position (GRCh38, 1-based): chr17:43,074,371, G deleted on the plus strand (C on the coding strand, the reverse complement: BRCA1 is on the minus strand). VCF-style (leftmost placement, unchanged base first): chr17-43074370-CG-C. GRCh37 (hg19) VCF-style: chr17-41226387-CG-C.
Other names: c.4419delC, p.His1473Glnfs (NM_001407917.1, NM_001407918.1, NM_001407915.1 and 1 more transcripts); c.4371delC, p.His1457Glnfs (NM_001407922.1, NM_001407923.1, NM_001407924.1 and 4 more transcripts); c.4512delC, p.His1504Glnfs (NM_001407919.1, NM_001407937.1, NM_001407938.1 and 6 more transcripts); c.4491delC, p.His1497Glnfs (NM_001407748.1, NM_001407749.1, NM_001407750.1 and 21 more transcripts); c.4488delC, p.His1496Glnfs (NM_001407838.1, NM_001407839.1, NM_001407841.1 and 12 more transcripts); c.4635delC, p.His1545Glnfs (NM_001407854.1, NM_007294.3, NM_001407593.1 and 9 more transcripts); c.4632delC, p.His1544Glnfs (NM_001407858.1, NM_001407859.1, NM_001407860.1 and 17 more transcripts); c.4629delC, p.His1543Glnfs (NM_001407861.1, NM_001407627.1, NM_001407628.1 and 14 more transcripts); and 71 more; short protein forms H441fs, H1545fs, H1498fs, H1566fs.
Identifiers: ClinVar variation 928315 (VCV000928315.4), dbSNP rs2052594151, ClinGen allele CA913188846.

ClinVar aggregate classification (germline): Pathogenic (1 of 4 stars; one submission).

Conditions:
Hereditary cancer-predisposing syndrome. Also called: Neoplastic Syndromes, Hereditary; Hereditary Cancer Syndrome; Tumor predisposition; Hereditary neoplastic syndrome. Identifiers: Orphanet 140162, MedGen C0027672, MeSH D009386, MONDO:0015356.

Submission:

Color Diagnostics, LLC DBA Color Health
Classification: Pathogenic for Hereditary cancer-predisposing syndrome. Last evaluated: 2020-01-15. Review status: criteria provided, single submitter. Criteria: ACMG Guidelines, 2015. Collection method: clinical testing. Allele origin: germline.
Comment: This variant deletes 1 nucleotide in exon 14 of the BRCA1 gene, creating a frameshift and premature translation stop signal. This variant is expected to result in an absent or non-functional protein product. This variant has not been identified in the general population by the Genome Aggregation Database (gnomAD). Loss of BRCA1 function is a known mechanism of disease. Based on the available evidence, this variant is classified as Pathogenic.